The following is an entry in ClinVar:

NM_018344.6(SLC29A3):c.1279G>A (p.Gly427Ser)

Gene: SLC29A3 (solute carrier family 29 member 3; plus strand). Cytogenetic location: 10q22.1.
Variant type: single nucleotide variant.
Coding change: c.1279G>A on transcript NM_018344.6 (MANE Select); coding-DNA position 1279, G replaced by A.
Protein change: p.Gly427Ser; replaces glycine 427 with serine.
Molecular consequence: missense variant. On other transcripts: 3 prime UTR variant (1), non-coding transcript variant (2).
Genome position (GRCh38, 1-based): chr10:71,362,459, G>A. VCF-style: chr10-71362459-G-A. GRCh37 (hg19) VCF-style: chr10-73122216-G-A.
Other names: c.*508G>A (NM_001174098.2); c.1045G>A, p.Gly349Ser (NM_001363518.2); short protein forms G427S, G349S.
Identifiers: ClinVar variation 563 (VCV000000563.19), dbSNP rs121912583, ClinGen allele CA114349.

ClinVar aggregate classification (germline): Pathogenic. Review status: criteria provided, multiple submitters, no conflicts (2 of 4 stars). 8 submissions from 8 submitters: Pathogenic (7). 1 of the submissions does not count toward it. Last evaluated 2026-01-23.

Conditions:
SLC29A3-related disorder. Also called: SLC29A3-related condition.
H syndrome. Also called: Histiocytosis with joint contractures and sensorineural deafness; Hyperpigmentation, Cutaneous, with Hypertrichosis, Hepatosplenomegaly, Heart Anomalies, Hearing Loss, and Hypogonadism; Histiocytosis-lymphadenopathy plus syndrome; Asrar Facharzt Haque syndrome; Pigmented hypertrichosis and insulin-dependent diabetes mellitus; FAISALABAD HISTIOCYTOSIS. Identifiers: Orphanet 168569, MedGen C1864445, MONDO:0011273, OMIM 602782.

Allele frequency attached by ClinVar (database versions not stated): ExAC 0.00002; gnomAD 0.00002 and 0.00003; gnomAD exomes 0.00002; TOPMed 0.00002.
gnomAD v4.1: 39 of 1,614,038 alleles (0.0024%); highest among the groups gnomAD compares: African/African-American, 0.0053%; no homozygotes.

Submissions (8):

Labcorp Genetics (formerly Invitae), Labcorp
Classification: Pathogenic for H syndrome. Last evaluated: 2026-01-23. Review status: criteria provided, single submitter. Criteria: Invitae Variant Classification Sherloc (09022015). Collection method: clinical testing. Allele origin: germline.
Comment: This sequence change replaces glycine, which is neutral and non-polar, with serine, which is neutral and polar, at codon 427 of the SLC29A3 protein (p.Gly427Ser). This variant is present in population databases (rs121912583, gnomAD 0.006%). This missense change has been observed in individuals with clinical features of H syndrome (PMID: 18940313, 20619369). It has also been observed to segregate with disease in related individuals. ClinVar contains an entry for this variant (Variation ID: 563). Invitae Evidence Modeling of protein sequence and biophysical properties (such as structural, functional, and spatial information, amino acid conservation, physicochemical variation, residue mobility, and thermodynamic stability) indicates that this missense variant is expected to disrupt SLC29A3 protein function with a positive predictive value of 95%. Experimental studies have shown that this missense change affects SLC29A3 function (PMID: 20595384). For these reasons, this variant has been classified as Pathogenic.

3billion
Classification: Pathogenic for H syndrome. Last evaluated: 2025-09-08. Review status: criteria provided, single submitter. Criteria: ACMG Guidelines, 2015. Collection method: clinical testing. Allele origin: germline. Affected: yes.
Comment: The variant is observed at an extremely low frequency in the gnomAD v4.1.0 dataset (total allele frequency: 0.002%). Predicted Consequence/Location: Missense variant In silico tool predictions suggest damaging effect of the variant on gene or gene product [REVEL: 0.86 (>=0.6, sensitivity 0.68 and specificity 0.92); 3Cnet: 0.80 (> 0.75, sensitivity 0.96 and precision 0.92)]. The same nucleotide change resulting in the same amino acid change has been previously reported as pathogenic/likely pathogenic with strong evidence (ClinVar ID: VCV000000563 /PMID: 18940313 /3billion dataset). The variant has been reported to be in trans with a pathogenic variant as either compound heterozygous or homozygous in at least 2 similarly affected unrelated individuals (PMID: 18940313, 20619369). The variant has been reported to co-segregate with the disease in at least one similarly affected relative/individual in the same family or similarly affected unrelated families (PMID: 18940313). Therefore, this variant is classified as Pathogenic according to the recommendation of ACMG/AMP guideline.

PreventionGenetics, part of Exact Sciences
Classification: Pathogenic for SLC29A3-related condition. Last evaluated: 2025-05-12. Review status: criteria provided, single submitter. Criteria: ACMG Guidelines, 2015. Collection method: clinical testing. Allele origin: germline.
Comment: The SLC29A3 c.1279G>A variant is predicted to result in the amino acid substitution p.Gly427Ser. This variant has been reported in the homozygous and compound heterozygous states and shown to co-segregate with disease in multiple families with autosomal recessive histiocytosis-lymphadenopathy plus syndrome (Molho-Pessach et al. 2008. PubMed ID: 18940313; Spiegel et al. 2010. PubMed ID: 20619369; Al-Haggar et al. 2015. PubMed ID: 24894595; Lequain et al. 2023. PubMed ID: 36727401; Biglari et al. 2025. PubMed ID: 40101970). In vitro functional studies indicate that this variant results in a complete loss of adenosine transport activity (Kang et al. 2010. PubMed ID: 20595384). This variant is reported in 0.0054% of alleles in individuals of East Asian descent in gnomAD. Taken together, this variant is interpreted as pathogenic.

Victorian Clinical Genetics Services, Murdoch Childrens Research Institute
Classification: Pathogenic for H syndrome. Last evaluated: 2023-12-21. Review status: criteria provided, single submitter. Criteria: ACMG Guidelines, 2015. Collection method: clinical testing. Allele origin: germline. Inheritance: Autosomal recessive inheritance. Affected: yes.
Comment: Based on the classification scheme VCGS_Germline_v1.3.4, this variant is classified as Pathogenic. Following criteria are met: 0102 - Loss of function is a known mechanism of disease in this gene and is associated with histiocytosis-lymphadenopathy plus syndrome (MIM#602782). (I) 0106 - This gene is associated with autosomal recessive disease. (I) 0115 - Variants in this gene are known to have variable expressivity. Intrafamilial phenotypic variability has been reported (PMIDs: 20619369, 34657628). (I) 0200 - Variant is predicted to result in a missense amino acid change from glycine to serine. (I) 0251 - This variant is heterozygous. (I) 0304 - Variant is present in gnomAD <0.01 for a recessive condition (v2 and v3: 10 heterozygotes, 0 homozygotes). (SP) 0501 - Missense variant consistently predicted to be damaging by multiple in silico tools or highly conserved with a major amino acid change. (SP) 0600 - Variant is located in the annotated nucleoside transporter domain (DECIPHER). (I) 0705 - No comparable missense variants have previous evidence for pathogenicity. (I) 0801 - This variant has strong previous evidence of pathogenicity in unrelated individuals. It has been reported as homozygous and compound heterozygous in multiple individuals with H syndrome and/or pigmented hypertrichosis with insulin-dependent diabetes mellitus (PMIDs: 18410979, 18940313, 20619369, 24894595). It has also been reported as pathogenic by several clinical laboratories (ClinVar). (SP) 1002 - This variant has moderate functional evidence supporting abnormal protein function. Functional studies using Xenopus oocytes showed this variant resulted in a reduced nucleoside transport activity (PMID: 20595384). (SP) 1102 - Strong phenotype match for this individual. (SP) 1201 - Heterozygous variant detected in trans with a likely pathogenic heterozygous variant (c.1350_1354del; p.(Val451Aspfs*103)) in a recessive disease. (I) 1208 - Inheritance information for this variant is not currently available in this individual. (I) Legend: (SP) - Supporting pathogenic, (I) - Information, (SB) - Supporting benign

Clinical Genetics Laboratory, Skane University Hospital Lund
Classification: Pathogenic. Last evaluated: 2022-11-17. Review status: criteria provided, single submitter. Criteria: ACMG Guidelines, 2015. Collection method: clinical testing. Allele origin: germline. Affected: yes.

GeneDx
Classification: Pathogenic. Last evaluated: 2022-07-23. Review status: criteria provided, single submitter. Criteria: GeneDx Variant Classification Process June 2021. Collection method: clinical testing. Allele origin: germline.
Comment: Published functional studies demonstrate a damaging effect on protein structure (PMID: 20595384); In silico analysis supports that this missense variant has a deleterious effect on protein structure/function; This variant is associated with the following publications: (PMID: 24894595, 31589614, 18940313, 20619369, 36727401, 20595384)

Illumina Laboratory Services, Illumina
Classification: Pathogenic for H syndrome. Last evaluated: 2017-04-27. Review status: criteria provided, single submitter. Criteria: ICSL Variant Classification Criteria 09 May 2019. Collection method: clinical testing. Allele origin: germline.
Comment: The SLC29A3 c.1279G>A (p.Gly427Ser) variant is a missense variant that has been reported in three studies in which it is found in a total of 13 patients with cutaneous hyperpigmentation with hypertrichosis, hepatosplenomegaly, heart anomalies, hearing loss and hypogonadism, including in ten in a homozygous state and in three in a compound heterozygous state (including two siblings) (Molho-Pessach et al. 2008; Spiegel et al. 2010; Al-Haggar et al. 2015). The p.Gly427Ser variant was found in a heterozygous state in four of 362 geographically and ethnically matched chromosomes in the Arab population of the study but was absent from 60 chromosomes from individuals of Jewish origin and 76 control chromosomes from individuals of European or Bulgarian origin (Molho-Pessach et al. 2008). The p.Gly427Ser variant is reported at a frequency of 0.00002 in the East Asian population of the Exome Aggregation Consortium. Functional studies in Xenopus oocytes demonstrated that the variant results in a total loss of transport activity (Kang et al. 2010). Based on the evidence, the p.Gly427Ser variant is classified as pathogenic for cutaneous hyperpigmentation with hypertrichosis, hepatosplenomegaly, heart anomalies, hearing loss and hypogonadism. This variant was observed by ICSL as part of a predisposition screen in an ostensibly healthy population.

OMIM
Classification: Pathogenic for HISTIOCYTOSIS-LYMPHADENOPATHY PLUS SYNDROME. Last evaluated: 2010-09-03. Review status: no assertion criteria provided. Collection method: literature only. Allele origin: germline. Not counted in ClinVar's aggregate classification.

Literature cited by the submitters: PubMed 18940313 (cited by 5 submitters); PubMed 20619369 (cited by 5 submitters); PubMed 20595384 (cited by 4 submitters); PubMed 18410979 (cited by Victorian Clinical Genetics Services, Murdoch Childrens Research Institute); PubMed 24894595 (cited by Victorian Clinical Genetics Services, Murdoch Childrens Research Institute and Illumina Laboratory Services, Illumina); PubMed 34657628 (cited by Victorian Clinical Genetics Services, Murdoch Childrens Research Institute); PubMed 16650224 (cited by OMIM).